The following is an entry in ClinVar:

NM_015599.3(PGM3):c.1165_1166del (p.Gln389fs)

Gene: PGM3 (phosphoglucomutase 3; minus strand). Cytogenetic location: 6q14.1.
Variant type: Deletion.
Coding change: c.1165_1166del on transcript NM_015599.3 (MANE Select); coding-DNA positions 1165 to 1166, 2 bases deleted (CA; older notation c.1165_1166delCA).
Protein change: p.Gln389fs; shifts the reading frame from glutamine 389.
Molecular consequence: frameshift variant. On other transcripts: non-coding transcript variant (1).
Genome position (GRCh38, 1-based): chr6:83,174,450-83,174,451, TG deleted on the plus strand (CA on the coding strand, the reverse complement: PGM3 is on the minus strand); deleting any 2 consecutive bases within chr6:83,174,450-83,174,452 gives the same sequence; the c. name uses the placement nearest the transcript's 3' end. VCF-style (leftmost placement, unchanged base first): chr6-83174449-TTG-T. GRCh37 (hg19) VCF-style: chr6-83884168-TTG-T.
Other names: c.1249_1250del, p.Gln417fs (NM_001199917.2, NM_001367287.1); c.922_923del, p.Gln308fs (NM_001199918.2); c.1165_1166del, p.Gln389fs (NM_001199919.2, NM_001367286.1); short protein forms Q417fs, Q308fs, Q389fs.
Identifiers: ClinVar variation 2888196 (VCV002888196.3), dbSNP rs1787601205, ClinGen allele CA1091201944.

ClinVar aggregate classification (germline): Pathogenic (1 of 4 stars; one submission).

Conditions:
Immunodeficiency 23 (IMD23). Also called: IMMUNODEFICIENCY WITH HYPER IgE AND COGNITIVE IMPAIRMENT; IMMUNODEFICIENCY-VASCULITIS-MYOCLONUS SYNDROME. Identifiers: Orphanet 443811, MedGen C4014371, MONDO:0014353, OMIM 615816.

Submission:

Labcorp Genetics (formerly Invitae), Labcorp
Classification: Pathogenic for Immunodeficiency 23. Last evaluated: 2024-02-04. Review status: criteria provided, single submitter. Criteria: Invitae Variant Classification Sherloc (09022015). Collection method: clinical testing. Allele origin: germline.
Comment: This sequence change creates a premature translational stop signal (p.Gln417Ilefs*8) in the PGM3 gene. It is expected to result in an absent or disrupted protein product. Loss-of-function variants in PGM3 are known to be pathogenic (PMID: 17548465, 24589341, 24931394). This variant is not present in population databases (gnomAD no frequency). This variant has not been reported in the literature in individuals affected with PGM3-related conditions. For these reasons, this variant has been classified as Pathogenic.

Literature cited by the submitters: PubMed 17548465; PubMed 24589341; PubMed 24931394.